The following is an entry in ClinVar:

NM_001042681.2(RERE):c.1448-7C>T

Gene: RERE (arginine-glutamic acid dipeptide repeats; minus strand). Cytogenetic location: 1p36.23.
Variant type: single nucleotide variant.
Coding change: c.1448-7C>T on transcript NM_001042681.2 (MANE Select); 7 bases into the intron before coding-DNA position 1448, C replaced by T.
Molecular consequence: intron variant.
Genome position (GRCh38, 1-based): chr1:8,364,845, G>A on the plus strand (C>T on the coding strand, the complement: RERE is on the minus strand). VCF-style: chr1-8364845-G-A. GRCh37 (hg19) VCF-style: chr1-8424905-G-A.
Other names: c.1448-7C>T (NM_012102.4); c.-215-7C>T (NM_001042682.2).
Identifiers: ClinVar variation 781926 (VCV000781926.33), dbSNP rs201749273, ClinGen allele CA571697.

ClinVar aggregate classification (germline): Benign/Likely benign. Review status: criteria provided, multiple submitters, no conflicts (2 of 4 stars). 2 submissions from 2 submitters: Benign (1); Likely benign (1). Last evaluated 2026-07-01.

Allele frequency attached by ClinVar (database versions not stated): 1000 Genomes Project 30x 0.00062; 1000 Genomes Project 0.00080; TOPMed 0.00082; ExAC 0.00112; gnomAD exomes 0.00118 and 0.00166; ESP Exome Variant Server 0.00123; gnomAD 0.00123 and 0.00124.
gnomAD v4.1: 2,600 of 1,610,682 alleles (0.16%); highest among the groups gnomAD compares: Non-Finnish European, 0.18%; 8 homozygotes.

Submissions (2):

CeGaT Center for Human Genetics Tuebingen
Classification: Likely benign. Last evaluated: 2026-07-01. Review status: criteria provided, single submitter. Criteria: CeGaT Center For Human Genetics Tuebingen Variant Classification Criteria Version 2. Collection method: clinical testing. Allele origin: germline. Affected: yes. Observed: 7 variant alleles.
Comment: RERE: BP4, BS1

Labcorp Genetics (formerly Invitae), Labcorp
Classification: Benign. Last evaluated: 2026-02-01. Review status: criteria provided, single submitter. Criteria: Invitae Variant Classification Sherloc (09022015). Collection method: clinical testing. Allele origin: germline.